The following is an entry in ClinVar:

NM_001166108.2(PALLD):c.314T>C (p.Leu105Pro)

Gene: PALLD (palladin, cytoskeletal associated protein; plus strand). Cytogenetic location: 4q32.3.
Variant type: single nucleotide variant.
Coding change: c.314T>C on transcript NM_001166108.2 (MANE Select); coding-DNA position 314, T replaced by C.
Protein change: p.Leu105Pro; replaces leucine 105 with proline.
Molecular consequence: missense variant.
Genome position (GRCh38, 1-based): chr4:168,511,818, T>C. VCF-style: chr4-168511818-T-C. GRCh37 (hg19) VCF-style: chr4-169432969-T-C.
Other names: c.314T>C, p.Leu105Pro (NM_016081.4); short protein forms L105P.
Identifiers: ClinVar variation 1728183 (VCV001728183.2), dbSNP rs2531430555, ClinGen allele CA358725327.
Genomic context (GRCh38, chr4:168,511,818, plus strand): 5'-AATTGGGTGAACACGCCTCGAGGAGACCTCAGGATAACAGGTCAACACCTGTCCAGCCTC[T>C]GGCAGAGAAACAAACTAAGAGTATCTCTTCACCTGTTTCAAAGAGGAAACCTGCCATGTC-3'
Protein context (NP_001159580.1, residues 95-115): QDNRSTPVQP[Leu105Pro]AEKQTKSISS

ClinVar aggregate classification (germline): Uncertain significance (1 of 4 stars; one submission).

Allele frequency attached by ClinVar (database versions not stated): gnomAD exomes below 0.00001.
gnomAD v4.1: 1 of 1,614,174 alleles (0.000062%); highest among the groups gnomAD compares: Non-Finnish European, 0.000085%; no homozygotes.

Submission:

Ambry Genetics
Classification: Uncertain significance. Last evaluated: 2022-01-08. Review status: criteria provided, single submitter. Criteria: Ambry Variant Classification Scheme 2023. Collection method: clinical testing. Allele origin: germline.
Comment: The p.L105P variant (also known as c.314T>C), located in coding exon 1 of the PALLD gene, results from a T to C substitution at nucleotide position 314. The leucine at codon 105 is replaced by proline, an amino acid with similar properties. This amino acid position is conserved. In addition, this alteration is predicted to be tolerated by in silico analysis. Since supporting evidence is limited at this time, the clinical significance of this alteration remains unclear.